The following is an entry in ClinVar:

ClinVar aggregate classification (germline): Uncertain significance (1 of 4 stars; one submission).

Conditions:
Fanconi anemia (FA). Also called: Fanconi's anemia. Identifiers: Orphanet 84, MedGen C0015625, MeSH D005199, MONDO:0019391.

Submission:

Labcorp Genetics (formerly Invitae), Labcorp
Classification: Uncertain significance for Fanconi anemia. Last evaluated: 2024-06-03. Review status: criteria provided, single submitter. Criteria: Invitae Variant Classification Sherloc (09022015). Collection method: clinical testing. Allele origin: germline.
Comment: This sequence change replaces aspartic acid, which is acidic and polar, with alanine, which is neutral and non-polar, at codon 56 of the FANCA protein (p.Asp56Ala). This variant is not present in population databases (gnomAD no frequency). This variant has not been reported in the literature in individuals affected with FANCA-related conditions. Advanced modeling of protein sequence and biophysical properties (such as structural, functional, and spatial information, amino acid conservation, physicochemical variation, residue mobility, and thermodynamic stability) performed at Invitae indicates that this missense variant is not expected to disrupt FANCA protein function with a negative predictive value of 80%. In summary, the available evidence is currently insufficient to determine the role of this variant in disease. Therefore, it has been classified as a Variant of Uncertain Significance.

NM_000135.4(FANCA):c.167A>C (p.Asp56Ala)

Gene: FANCA (FA complementation group A; minus strand). Cytogenetic location: 16q24.3.
Variant type: single nucleotide variant.
Coding change: c.167A>C on transcript NM_000135.4 (MANE Select); coding-DNA position 167, A replaced by C.
Protein change: p.Asp56Ala; replaces aspartic acid 56 with alanine.
Molecular consequence: missense variant.
Genome position (GRCh38, 1-based): chr16:89,815,899, T>G on the plus strand (A>C on the coding strand, the complement: FANCA is on the minus strand). VCF-style: chr16-89815899-T-G. GRCh37 (hg19) VCF-style: chr16-89882307-T-G.
Other names: c.167A>C, p.Asp56Ala (NM_001286167.3, NM_001018112.3, NM_001351830.2); short protein forms D56A.
Identifiers: ClinVar variation 2854805 (VCV002854805.3), dbSNP rs2544389615, ClinGen allele CA397483277.